The following is an entry in ClinVar:

ClinVar aggregate classification (germline): Uncertain significance (1 of 4 stars; one submission).

Conditions:
Early-infantile DEE. Also called: Ohtahara syndrome; Early infantile epileptic encephalopathy; Early infantile epileptic encephalopathy with suppression bursts. Identifiers: Orphanet 1934, MedGen C0393706, MONDO:0800491.

Submission:

Labcorp Genetics (formerly Invitae), Labcorp
Classification: Uncertain significance for Early-infantile DEE. Last evaluated: 2022-07-19. Review status: criteria provided, single submitter. Criteria: Invitae Variant Classification Sherloc (09022015). Collection method: clinical testing. Allele origin: germline.
Comment: This sequence change replaces glutamic acid, which is acidic and polar, with lysine, which is basic and polar, at codon 168 of the SCN1A protein (p.Glu168Lys). In summary, the available evidence is currently insufficient to determine the role of this variant in disease. Therefore, it has been classified as a Variant of Uncertain Significance. Advanced modeling of protein sequence and biophysical properties (such as structural, functional, and spatial information, amino acid conservation, physicochemical variation, residue mobility, and thermodynamic stability) performed at Invitae indicates that this missense variant is expected to disrupt SCN1A protein function. ClinVar contains an entry for this variant (Variation ID: 1021825). This variant has not been reported in the literature in individuals affected with SCN1A-related conditions. This variant is not present in population databases (gnomAD no frequency).

NM_001165963.4(SCN1A):c.502G>A (p.Glu168Lys)

Gene: SCN1A (sodium voltage-gated channel alpha subunit 1; minus strand). Cytogenetic location: 2q24.3.
Variant type: single nucleotide variant.
Coding change: c.502G>A on transcript NM_001165963.4 (MANE Select); coding-DNA position 502, G replaced by A.
Protein change: p.Glu168Lys; replaces glutamic acid 168 with lysine.
Molecular consequence: missense variant. On other transcripts: 5 prime UTR variant (1), non-coding transcript variant (1).
Genome position (GRCh38, 1-based): chr2:166,054,738, C>T on the plus strand (G>A on the coding strand, the complement: SCN1A is on the minus strand). VCF-style: chr2-166054738-C-T. GRCh37 (hg19) VCF-style: chr2-166911248-C-T.
Other names: c.502G>A, p.Glu168Lys (NM_001165964.3, NM_001202435.3, NM_001353948.2 and 10 more transcripts); c.-1924G>A (NM_001353961.2); short protein forms E168K.
Identifiers: ClinVar variation 1021825 (VCV001021825.9), dbSNP rs1553551483, ClinGen allele CA349075634.